The following is an entry in ClinVar:

NM_032436.4(CHAMP1):c.2027dup (p.Glu677fs)

Gene: CHAMP1 (chromosome alignment maintaining phosphoprotein 1; plus strand). Cytogenetic location: 13q34.
Variant type: Duplication.
Coding change: c.2027dup on transcript NM_032436.4 (MANE Select); coding-DNA position 2027, one base duplicated (C; older notation c.2027dupC).
Protein change: p.Glu677fs; shifts the reading frame from glutamic acid 677.
Molecular consequence: frameshift variant.
Genome position (GRCh38, 1-based): chr13:114,325,869, C duplicated; the last of 2 consecutive C bases (chr13:114,325,868-114,325,869); duplicating either gives the same sequence. VCF-style (leftmost placement, unchanged base first): chr13-114325867-T-TC. GRCh37 (hg19) VCF-style: chr13-115091342-T-TC.
Other names: c.2027dup, p.Glu677fs (NM_001164144.3, NM_001164145.3); short protein forms E677fs.
Identifiers: ClinVar variation 3062279 (VCV003062279.1), dbSNP rs2503204562, ClinGen allele CA2740097703.

ClinVar aggregate classification (germline): Likely pathogenic (1 of 4 stars; one submission).

Conditions:
Neurodevelopmental disorder with hypotonia, impaired language, and dysmorphic features. Also called: Intellectual disability, autosomal dominant 40. Identifiers: Orphanet 692193, MedGen C5676894, MONDO:0014699, OMIM 616579.

Submission:

Molecular Genetics Department, Kulakov National Medical Research Center for Obstetrics, Gynecology and Perinatology
Classification: Likely pathogenic for Neurodevelopmental disorder with hypotonia, impaired language, and dysmorphic features. Review status: criteria provided, single submitter. Criteria: ACMG Guidelines, 2015. Collection method: clinical testing. Allele origin: germline. Affected: yes.
Comment: A previously undescribed nucleotide variant creates a frameshift p.Glu677ArgfsTer4 in the CHAMP1 gene. Loss-of-function variants are reported in patients with Neurodevelopmental disorder with hypotonia, impaired language, and dysmorphic features, 616579. The variant is not present in population database (gnomAD no frequency). In summary, the currently available evidence indicates that the variant is pathogenic, but additional data are needed to prove that conclusively. Therefore, this variant has been classified as likely pathogenic.